The following is an entry in ClinVar:

ClinVar aggregate classification (germline): Conflicting classifications of pathogenicity. Review status: criteria provided, conflicting classifications (1 of 4 stars). 7 submissions from 7 submitters: Uncertain significance (5); Likely benign (1). 1 of the submissions does not count toward it. Last evaluated 2025-07-09.

Conditions:
BRCA1-related cancer predisposition. Identifiers: MedGen CN377757, MONDO:0700268.
Hereditary cancer-predisposing syndrome. Also called: Tumor predisposition; Neoplastic Syndromes, Hereditary; Hereditary Cancer Syndrome; Hereditary neoplastic syndrome. Identifiers: Orphanet 140162, MedGen C0027672, MeSH D009386, MONDO:0015356.
Hereditary breast ovarian cancer syndrome. Also called: Hereditary breast and ovarian cancer syndrome (HBOC); Hereditary breast and ovarian cancer syndrome; Hereditary breast and ovarian cancer; Hereditary breast and/or ovarian cancer syndrome; Breast and ovarian cancer; BRCA1- and BRCA2-Associated Hereditary Breast and Ovarian Cancer. Identifiers: Orphanet 145, MedGen C0677776, MeSH D061325, MONDO:0003582. Disease mechanism: loss of function.
Breast-ovarian cancer, familial, susceptibility to, 1 (BROVCA1). Also called: OVARIAN CANCER, SUSCEPTIBILITY TO; BRCA1 Hereditary Breast and Ovarian Cancer. Identifiers: Orphanet 145, MedGen C2676676, MONDO:0011450, OMIM 604370. Disease mechanism: loss of function.

Submissions (7):

Labcorp Genetics (formerly Invitae), Labcorp
Classification: Uncertain significance for Hereditary breast ovarian cancer syndrome. Last evaluated: 2025-07-09. Review status: criteria provided, single submitter. Criteria: Invitae Variant Classification Sherloc (09022015). Collection method: clinical testing. Allele origin: germline.
Comment: This sequence change replaces serine, which is neutral and polar, with alanine, which is neutral and non-polar, at codon 784 of the BRCA1 protein (p.Ser784Ala). This variant is not present in population databases (gnomAD no frequency). This missense change has been observed in individual(s) with clinical features of BRCA1-related conditions (PMID: 10923033). ClinVar contains an entry for this variant (Variation ID: 54542). Invitae Evidence Modeling of protein sequence and biophysical properties (such as structural, functional, and spatial information, amino acid conservation, physicochemical variation, residue mobility, and thermodynamic stability) indicates that this missense variant is expected to disrupt BRCA1 protein function with a positive predictive value of 80%. In summary, the available evidence is currently insufficient to determine the role of this variant in disease. Therefore, it has been classified as a Variant of Uncertain Significance.

GeneDx
Classification: Uncertain significance. Last evaluated: 2025-04-14. Review status: criteria provided, single submitter. Criteria: GeneDx Variant Classification Process June 2021. Collection method: clinical testing. Allele origin: germline. Affected: yes.
Comment: Not observed at significant frequency in large population cohorts (gnomAD); In silico analysis supports that this missense variant has a deleterious effect on protein structure/function; Has not been previously published as pathogenic or benign to our knowledge; Also known as 2469T>G; This variant is associated with the following publications: (PMID: 29884841, 10792030, 9774970, 15343273, 32377563, 31911673)

Ambry Genetics
Classification: Uncertain significance for Hereditary cancer-predisposing syndrome. Last evaluated: 2025-04-06. Review status: criteria provided, single submitter. Criteria: Ambry Variant Classification Scheme 2023. Collection method: clinical testing. Allele origin: germline.
Comment: The p.S784A variant (also known as c.2350T>G), located in coding exon 9 of the BRCA1 gene, results from a T to G substitution at nucleotide position 2350. The serine at codon 784 is replaced by alanine, an amino acid with similar properties. This amino acid position is highly conserved in available vertebrate species. In addition, the in silico prediction for this alteration is inconclusive. Since supporting evidence is limited at this time, the clinical significance of this alteration remains unclear.

All of Us Research Program, National Institutes of Health
Classification: Uncertain significance for BRCA1-related cancer predisposition. Last evaluated: 2024-03-24. Review status: criteria provided, single submitter. Criteria: ACMG Guidelines, 2015. Collection method: clinical testing. Allele origin: germline. Inheritance: Autosomal dominant inheritance. Observed: 1 variant allele, 1 heterozygote.
Comment: This missense variant replaces serine with alanine at codon 784 of the BRCA1 protein. Computational prediction tool is inconclusive regarding the impact of this variant on protein structure and function. To our knowledge, functional studies have not been reported for this variant. This variant has not been reported in individuals affected with BRCA1-related disorders in the literature. This variant has not been identified in the general population by the Genome Aggregation Database (gnomAD). The available evidence is insufficient to determine the role of this variant in disease conclusively. Therefore, this variant is classified as a Variant of Uncertain Significance.

This study involves interpretation of variants in research participants for the purpose of population health screening. Participant phenotype was not available at the time of variant classification. Additional details can be found in publication PMID: 35346344, PMCID: PMC8962531

University of Washington Department of Laboratory Medicine, University of Washington
Classification: Likely benign for Hereditary cancer-predisposing syndrome. Last evaluated: 2023-03-23. Review status: criteria provided, single submitter. Criteria: Dines et al. (Genet Med. 2020). Collection method: curation. Allele origin: germline.
Comment: Missense variant in a coldspot region where missense variants are very unlikely to be pathogenic (PMID:31911673).

BRCA1 coldspot (exon 11 using historical exon numbering). Reclassification based on statistical prior probability

Women's Health and Genetics/Laboratory Corporation of America, LabCorp
Classification: Uncertain significance. Last evaluated: 2021-07-09. Review status: criteria provided, single submitter. Criteria: LabCorp Variant Classification Summary - May 2015. Collection method: clinical testing. Allele origin: germline.
Comment: Variant summary: BRCA1 c.2350T>G (p.Ser784Ala) results in a conservative amino acid change in the encoded protein sequence. Two of four in-silico tools predict a benign effect of the variant on protein function. The variant was absent in 250640 control chromosomes. The available data on variant occurrences in the general population are insufficient to allow any conclusion about variant significance. To our knowledge, no occurrence of c.2350T>G in individuals affected with Hereditary Breast And Ovarian Cancer Syndrome and no experimental evidence demonstrating its impact on protein function have been reported. One clinical diagnostic laboratory has submitted clinical-significance assessments for this variant to ClinVar after 2014 without evidence for independent evaluation. One laboratory classified the variant as uncertain significance. Based on the evidence outlined above, the variant was classified as uncertain significance.

Breast Cancer Information Core (BIC) (BRCA1)
Classification: Uncertain significance for Breast-ovarian cancer, familial 1. Last evaluated: 2004-02-20. Review status: no assertion criteria provided. Collection method: clinical testing. Allele origin: germline. Affected: yes. Observed: 1 variant allele. Not counted in ClinVar's aggregate classification.

Literature cited by the submitters: PubMed 10923033 (cited by Labcorp Genetics (formerly Invitae), Labcorp).

NM_007294.4(BRCA1):c.2350T>G (p.Ser784Ala)

Gene: BRCA1 (BRCA1 DNA repair associated; minus strand). Cytogenetic location: 17q21.31.
Variant type: single nucleotide variant.
Coding change: c.2350T>G on transcript NM_007294.4 (MANE Select); coding-DNA position 2350, T replaced by G.
Protein change: p.Ser784Ala; replaces serine 784 with alanine.
Molecular consequence: missense variant. On other transcripts: intron variant (137).
Genome position (GRCh38, 1-based): chr17:43,093,181, A>C on the plus strand (T>G on the coding strand, the complement: BRCA1 is on the minus strand). VCF-style: chr17-43093181-A-C. GRCh37 (hg19) VCF-style: chr17-41245198-A-C.
Other names: c.2224T>G, p.Ser742Ala (NM_001407691.1, NM_001407940.1, NM_001407941.1 and 11 more transcripts); c.2209T>G, p.Ser737Ala (NM_001407692.1, NM_001407694.1, NM_001407695.1 and 29 more transcripts); c.2206T>G, p.Ser736Ala (NM_001407740.1, NM_001407741.1, NM_001407742.1 and 20 more transcripts); c.2137T>G, p.Ser713Ala (NM_001407853.1, NM_001407894.1, NM_001407895.1 and 9 more transcripts); c.2350T>G, p.Ser784Ala (NM_001407854.1, NM_001407858.1, NM_001407859.1 and 30 more transcripts); c.2347T>G, p.Ser783Ala (NM_001407860.1, NM_001407861.1, NM_001407587.1 and 22 more transcripts); c.2149T>G, p.Ser717Ala (NM_001407862.1); c.2227T>G, p.Ser743Ala (NM_001407863.1, NM_001407919.1, NM_001407937.1 and 19 more transcripts); and 41 more; short protein forms S784A, S737A, S488A, S656A, S673A, S716A, S757A, S781A.
Identifiers: ClinVar variation 54542 (VCV000054542.19), dbSNP rs80357399, ClinGen allele CA001567.
Genomic context (GRCh38, chr17:43,093,181, plus strand): 5'-GACTCACACATTTATTTGGTTCTGTTTTTGCCTTCCCTAGAGTGCTAACTTCCAGTAACG[A>C]GATACTTTCCTGAGTGCCATAATCAGTACCAGGTACCAATGAAATACTGCTACTCTCTAC-3'
Protein context (NP_009225.1, residues 774-794): GTDYGTQESI[Ser784Ala]LLEVSTLGKA